The following is an entry in ClinVar:

ClinVar aggregate classification (germline): Uncertain significance (1 of 4 stars; one submission).

gnomAD v4.1: 3 of 1,599,490 alleles (0.00019%); highest among the groups gnomAD compares: Non-Finnish European, 0.00025%; no homozygotes.

Submission:

Dasa
Classification: Uncertain significance. Last evaluated: 2025-02-24. Review status: criteria provided, single submitter. Criteria: DASA Assertion Criteria. Collection method: clinical testing. Allele origin: germline.
Comment: NM_001170629.2(CHD8):c.626C>T (p.Thr209Ile) is a missense variant that results in the substitution of threonine with isoleucine. This variant is rare in population databases. The currently available literature and clinical evidence are not sufficient to establish a definitive association between this variant and the reported condition. Therefore, this variant is classified as a variant of uncertain significance.

NM_001170629.2(CHD8):c.626C>T (p.Thr209Ile)

Gene: CHD8 (chromodomain helicase DNA binding protein 8; minus strand). Cytogenetic location: 14q11.2.
Variant type: single nucleotide variant.
Coding change: c.626C>T on transcript NM_001170629.2 (MANE Select); coding-DNA position 626, C replaced by T.
Protein change: p.Thr209Ile; replaces threonine 209 with isoleucine.
Molecular consequence: missense variant. On other transcripts: intron variant (1).
Genome position (GRCh38, 1-based): chr14:21,431,018, G>A on the plus strand (C>T on the coding strand, the complement: CHD8 is on the minus strand). VCF-style: chr14-21431018-G-A. GRCh37 (hg19) VCF-style: chr14-21899177-G-A.
Other names: c.6+793C>T (NM_020920.4); short protein forms T209I.
Identifiers: ClinVar variation 4883031 (VCV004883031.2).